The following is an entry in ClinVar:

NM_013275.6(ANKRD11):c.3559G>A (p.Asp1187Asn)

Gene: ANKRD11 (ankyrin repeat domain 11; minus strand). Cytogenetic location: 16q24.3.
Variant type: single nucleotide variant.
Coding change: c.3559G>A on transcript NM_013275.6 (MANE Select); coding-DNA position 3559, G replaced by A.
Protein change: p.Asp1187Asn; replaces aspartic acid 1187 with asparagine.
Molecular consequence: missense variant.
Genome position (GRCh38, 1-based): chr16:89,282,983, C>T on the plus strand (G>A on the coding strand, the complement: ANKRD11 is on the minus strand). VCF-style: chr16-89282983-C-T. GRCh37 (hg19) VCF-style: chr16-89349391-C-T.
Other names: c.3559G>A, p.Asp1187Asn (NM_001256182.2, NM_001256183.2); short protein forms D1187N.
Identifiers: ClinVar variation 1982167 (VCV001982167.5), dbSNP rs750034276, ClinGen allele CA8242338.

ClinVar aggregate classification (germline): Uncertain significance. Review status: criteria provided, multiple submitters, no conflicts (2 of 4 stars). 2 submissions from 2 submitters: Uncertain significance (2). Last evaluated 2026-09-01.

Conditions:
KBG syndrome (KBGS). Also called: ANKRD11-Related KBG Syndrome. Identifiers: Orphanet 2332, MedGen C0220687, MONDO:0007846, OMIM 148050.

Allele frequency attached by ClinVar (database versions not stated): gnomAD exomes below 0.00001; TOPMed below 0.00001; ExAC 0.00001; gnomAD 0.00001.
gnomAD v4.1: 4 of 1,613,594 alleles (0.00025%); highest among the groups gnomAD compares: Admixed American, 0.005%; no homozygotes.

Submissions (2):

CeGaT Center for Human Genetics Tuebingen
Classification: Uncertain significance. Last evaluated: 2026-09-01. Review status: criteria provided, single submitter. Criteria: CeGaT Center For Human Genetics Tuebingen Variant Classification Criteria Version 2. Collection method: clinical testing. Allele origin: germline. Affected: yes. Observed: 1 variant allele.
Comment: ANKRD11: PM2:Supporting, BP4

Labcorp Genetics (formerly Invitae), Labcorp
Classification: Uncertain significance for KBG syndrome. Last evaluated: 2025-10-18. Review status: criteria provided, single submitter. Criteria: Invitae Variant Classification Sherloc (09022015). Collection method: clinical testing. Allele origin: germline.
Comment: This sequence change replaces aspartic acid, which is acidic and polar, with asparagine, which is neutral and polar, at codon 1187 of the ANKRD11 protein (p.Asp1187Asn). This variant is present in population databases (rs750034276, gnomAD 0.01%). This variant has not been reported in the literature in individuals affected with ANKRD11-related conditions. ClinVar contains an entry for this variant (Variation ID: 1982167). Invitae Evidence Modeling of protein sequence and biophysical properties (such as structural, functional, and spatial information, amino acid conservation, physicochemical variation, residue mobility, and thermodynamic stability) indicates that this missense variant is not expected to disrupt ANKRD11 protein function with a negative predictive value of 95%. In summary, the available evidence is currently insufficient to determine the role of this variant in disease. Therefore, it has been classified as a Variant of Uncertain Significance.